The following is an entry in ClinVar:

NM_001378454.1(ALMS1):c.10247del (p.Ala3416fs)

Gene: ALMS1 (ALMS1 centrosome and basal body associated protein; plus strand). Cytogenetic location: 2p13.1.
Variant type: Deletion.
Coding change: c.10247del on transcript NM_001378454.1 (MANE Select); coding-DNA position 10247, one base deleted (C; older notation c.10247delC).
Protein change: p.Ala3416fs; shifts the reading frame from alanine 3416.
Molecular consequence: frameshift variant.
Genome position (GRCh38, 1-based): chr2:73,559,005, C deleted. VCF-style (leftmost placement, unchanged base first): chr2-73559004-GC-G. GRCh37 (hg19) VCF-style: chr2-73786131-GC-G.
Other names: c.10250del, p.Ala3417fs (NM_015120.4); short protein forms A3416fs, A3417fs.
Identifiers: ClinVar variation 1437424 (VCV001437424.6), dbSNP rs2104063719, ClinGen allele CA2573135803.

ClinVar aggregate classification (germline): Pathogenic (1 of 4 stars; one submission).

Conditions:
Alstrom syndrome (ALMS). Identifiers: Orphanet 64, MedGen C0268425, MONDO:0008763, OMIM 203800.

Submission:

Labcorp Genetics (formerly Invitae), Labcorp
Classification: Pathogenic for Alstrom syndrome. Last evaluated: 2021-02-21. Review status: criteria provided, single submitter. Criteria: Invitae Variant Classification Sherloc (09022015). Collection method: clinical testing. Allele origin: germline.
Comment: This variant is not present in population databases (ExAC no frequency). For these reasons, this variant has been classified as Pathogenic. This variant has not been reported in the literature in individuals with ALMS1-related conditions. This sequence change creates a premature translational stop signal (p.Ala3417Valfs*3) in the ALMS1 gene. It is expected to result in an absent or disrupted protein product. Loss-of-function variants in ALMS1 are known to be pathogenic (PMID: 17594715).

Literature cited by the submitters: PubMed 17594715.